The following is an entry in ClinVar:

ClinVar aggregate classification (germline): Uncertain significance. Review status: criteria provided, multiple submitters, no conflicts (2 of 4 stars). 2 submissions from 2 submitters: Uncertain significance (2). Last evaluated 2024-05-17.

Conditions:
Long QT syndrome (LQTS). Identifiers: MedGen C0023976, MeSH D008133, MONDO:0002442. Disease mechanism: loss of function. Inheritance: Various modes of inheritance.

Submissions (2):

Labcorp Genetics (formerly Invitae), Labcorp
Classification: Uncertain significance for Long QT syndrome. Last evaluated: 2024-05-17. Review status: criteria provided, single submitter. Criteria: Invitae Variant Classification Sherloc (09022015). Collection method: clinical testing. Allele origin: germline.
Comment: This sequence change replaces arginine, which is basic and polar, with proline, which is neutral and non-polar, at codon 582 of the KCNH2 protein (p.Arg582Pro). This variant is not present in population databases (gnomAD no frequency). This variant has not been reported in the literature in individuals affected with KCNH2-related conditions. An algorithm developed to predict the effect of missense changes on protein structure and function (PolyPhen-2) suggests that this variant is likely to be tolerated. This variant disrupts the p.Arg582 amino acid residue in KCNH2. Other variant(s) that disrupt this residue have been determined to be pathogenic (PMID: 10220144, 12566525, 18441445, 19038855, 21350584, 22949429). This suggests that this residue is clinically significant, and that variants that disrupt this residue are likely to be disease-causing. In summary, the available evidence is currently insufficient to determine the role of this variant in disease. Therefore, it has been classified as a Variant of Uncertain Significance.

Mayo Clinic Laboratories, Mayo Clinic
Classification: Uncertain significance. Last evaluated: 2024-01-03. Review status: criteria provided, single submitter. Criteria: ACMG Guidelines, 2015. Collection method: clinical testing. Allele origin: germline. Observed: 1 variant allele.
Comment: PP2, PM2

Literature cited by the submitters: PubMed 10220144 (cited by Labcorp Genetics (formerly Invitae), Labcorp); PubMed 12566525 (cited by Labcorp Genetics (formerly Invitae), Labcorp); PubMed 18441445 (cited by Labcorp Genetics (formerly Invitae), Labcorp); PubMed 19038855 (cited by Labcorp Genetics (formerly Invitae), Labcorp); PubMed 21350584 (cited by Labcorp Genetics (formerly Invitae), Labcorp); PubMed 22949429 (cited by Labcorp Genetics (formerly Invitae), Labcorp).

NM_000238.4(KCNH2):c.1745G>C (p.Arg582Pro)

Gene: KCNH2 (potassium voltage-gated channel subfamily H member 2; minus strand). Cytogenetic location: 7q36.1.
Variant type: single nucleotide variant.
Coding change: c.1745G>C on transcript NM_000238.4 (MANE Select); coding-DNA position 1745, G replaced by C.
Protein change: p.Arg582Pro; replaces arginine 582 with proline.
Molecular consequence: missense variant. On other transcripts: non-coding transcript variant (2).
Genome position (GRCh38, 1-based): chr7:150,951,648, C>G on the plus strand (G>C on the coding strand, the complement: KCNH2 is on the minus strand). VCF-style: chr7-150951648-C-G. GRCh37 (hg19) VCF-style: chr7-150648736-C-G.
Other names: p.Arg582Pro; c.725G>C, p.Arg242Pro (NM_001204798.2, NM_172057.3); c.1457G>C, p.Arg486Pro (NM_001406753.1, NM_001406756.1); c.1568G>C, p.Arg523Pro (NM_001406755.1); c.1445G>C, p.Arg482Pro (NM_001406757.1); c.1745G>C, p.Arg582Pro (NM_172056.3); short protein forms R242P, R482P, R486P, R523P, R582P.
Identifiers: ClinVar variation 3379799 (VCV003379799.3).
Genomic context (GRCh38, chr7:150,951,648, plus strand): 5'-AGGCCGCTGCTGTTGTAGGGTTTGCCTATCTGGTCGCCCAGGTTGTGCAGCCAGCCGATG[C>G]GTGAGTCCATGTGTGGCTGCTCCATGTTGCCGATGGCGTACCAGATGCAGGCTAGCCAGT-3'
Protein context (NP_000229.1, residues 572-592): GNMEQPHMDS[Arg582Pro]IGWLHNLGDQ